The following is an entry in ClinVar:

NM_153741.2(DPM3):c.179del (p.Arg60fs)

Gene: DPM3 (dolichyl-phosphate mannosyltransferase subunit 3, regulatory; minus strand). Cytogenetic location: 1q22.
Variant type: Deletion.
Coding change: c.179del on transcript NM_153741.2 (MANE Select); coding-DNA position 179, one base deleted (G; older notation c.179delG).
Protein change: p.Arg60fs; shifts the reading frame from arginine 60.
Molecular consequence: frameshift variant.
Genome position (GRCh38, 1-based): chr1:155,140,062, C deleted on the plus strand (G on the coding strand, the reverse complement: DPM3 is on the minus strand). VCF-style (leftmost placement, unchanged base first): chr1-155140061-AC-A. GRCh37 (hg19) VCF-style: chr1-155112537-AC-A.
Other names: c.269del, p.Arg90fs (NM_018973.4); short protein forms R90fs, R60fs.
Identifiers: ClinVar variation 1981094 (VCV001981094.5), dbSNP rs1664698331, ClinGen allele CA1007974617.

ClinVar aggregate classification (germline): Conflicting classifications of pathogenicity. Review status: criteria provided, conflicting classifications (1 of 4 stars). 2 submissions from 2 submitters: Pathogenic (1); Uncertain significance (1). Last evaluated 2024-04-25.

Conditions:
DPM3-congenital disorder of glycosylation (MDDGC15). Also called: DPM3-CDG; CDG Io; CDG1(DPM3); MUSCULAR DYSTROPHY-DYSTROGLYCANOPATHY (LIMB-GIRDLE), TYPE C, 15. Identifiers: Orphanet 263494, MedGen C2752007, MONDO:0013049, OMIM 612937.

Allele frequency attached by ClinVar (database versions not stated): TOPMed below 0.00001; gnomAD 0.00001; gnomAD exomes 0.00001.

Submissions (2):

Revvity Omics, Revvity
Classification: Uncertain significance. Last evaluated: 2024-04-25. Review status: criteria provided, single submitter. Criteria: ACMG Guidelines, 2015. Collection method: clinical testing. Allele origin: germline.

Labcorp Genetics (formerly Invitae), Labcorp
Classification: Pathogenic for DPM3-congenital disorder of glycosylation. Last evaluated: 2022-10-13. Review status: criteria provided, single submitter. Criteria: Invitae Variant Classification Sherloc (09022015). Collection method: clinical testing. Allele origin: germline.
Comment: For these reasons, this variant has been classified as Pathogenic. This variant disrupts a region of the DPM3 protein in which other variant(s) (p.Leu85Ser) have been determined to be pathogenic (PMID: 19576565, 30931530). This suggests that this is a clinically significant region of the protein, and that variants that disrupt it are likely to be disease-causing. This variant has not been reported in the literature in individuals affected with DPM3-related conditions. This variant is not present in population databases (gnomAD no frequency). This sequence change creates a premature translational stop signal (p.Arg60Leufs*26) in the DPM3 gene. While this is not anticipated to result in nonsense mediated decay, it is expected to disrupt the last 33 amino acid(s) of the DPM3 protein.

Literature cited by the submitters: PubMed 19576565 (cited by Labcorp Genetics (formerly Invitae), Labcorp); PubMed 30931530 (cited by Labcorp Genetics (formerly Invitae), Labcorp).